The following is an entry in ClinVar:

NM_001276345.2(TNNT2):c.613G>C (p.Glu205Gln)

Gene: TNNT2 (troponin T2, cardiac type; minus strand). Cytogenetic location: 1q32.1.
Variant type: single nucleotide variant.
Coding change: c.613G>C on transcript NM_001276345.2 (MANE Select); coding-DNA position 613, G replaced by C.
Protein change: p.Glu205Gln; replaces glutamic acid 205 with glutamine.
Molecular consequence: missense variant.
Genome position (GRCh38, 1-based): chr1:201,362,019, C>G on the plus strand (G>C on the coding strand, the complement: TNNT2 is on the minus strand). VCF-style: chr1-201362019-C-G. GRCh37 (hg19) VCF-style: chr1-201331147-C-G.
Other names: c.604G>C, p.Glu202Gln (NM_000364.4, NM_001406723.1); c.583G>C, p.Glu195Gln (NM_001001430.3, NM_001276347.2, NM_001406724.1); c.574G>C, p.Glu192Gln (NM_001001431.3, NM_001406726.1, NM_001406727.1); c.565G>C, p.Glu189Gln (NM_001001432.3); c.484G>C, p.Glu162Gln (NM_001276346.2); c.580G>C, p.Glu194Gln (NM_001406725.1); c.568G>C, p.Glu190Gln (NM_001406728.1); short protein forms E192Q, E202Q, E205Q, E189Q, E190Q, E195Q, E162Q, E194Q.
Identifiers: ClinVar variation 2103137 (VCV002103137.4), dbSNP rs150008205, ClinGen allele CA344204025.

ClinVar aggregate classification (germline): Uncertain significance (1 of 4 stars; one submission).

Conditions:
Hypertrophic cardiomyopathy 2. Also called: TNNT2-Related Familial Hypertrophic Cardiomyopathy. Identifiers: MedGen C1861864, MONDO:0007266, OMIM 115195.
Cardiomyopathy, familial restrictive, 3. Identifiers: Orphanet 75249, MedGen C2676271, MONDO:0012900, OMIM 612422.
Dilated cardiomyopathy 1D. Identifiers: Orphanet 154, Orphanet 54260, MedGen C1832243, MONDO:0011095, OMIM 601494.

Submission:

Labcorp Genetics (formerly Invitae), Labcorp
Classification: Uncertain significance for Cardiomyopathy, familial restrictive, 3; Hypertrophic cardiomyopathy 2; Dilated cardiomyopathy 1D. Last evaluated: 2022-02-24. Review status: criteria provided, single submitter. Criteria: Invitae Variant Classification Sherloc (09022015). Collection method: clinical testing. Allele origin: germline.
Comment: This sequence change replaces glutamic acid, which is acidic and polar, with glutamine, which is neutral and polar, at codon 195 of the TNNT2 protein (p.Glu195Gln). This variant is not present in population databases (gnomAD no frequency). This variant has not been reported in the literature in individuals affected with TNNT2-related conditions. Algorithms developed to predict the effect of missense changes on protein structure and function are either unavailable or do not agree on the potential impact of this missense change (SIFT: "Tolerated"; PolyPhen-2: "Possibly Damaging"; Align-GVGD: "Class C0"). Algorithms developed to predict the effect of sequence changes on RNA splicing suggest that this variant may disrupt the consensus splice site. In summary, the available evidence is currently insufficient to determine the role of this variant in disease. Therefore, it has been classified as a Variant of Uncertain Significance.